The following is an entry in ClinVar:

NM_032043.3(BRIP1):c.481A>G (p.Ile161Val)

Gene: BRIP1 (BRCA1 interacting DNA helicase 1; minus strand). Cytogenetic location: 17q23.2.
Variant type: single nucleotide variant.
Coding change: c.481A>G on transcript NM_032043.3 (MANE Select); coding-DNA position 481, A replaced by G.
Protein change: p.Ile161Val; replaces isoleucine 161 with valine.
Molecular consequence: missense variant.
Genome position (GRCh38, 1-based): chr17:61,849,155, T>C on the plus strand (A>G on the coding strand, the complement: BRIP1 is on the minus strand). VCF-style: chr17-61849155-T-C. GRCh37 (hg19) VCF-style: chr17-59926516-T-C.
Other names: short protein forms I161V.
Identifiers: ClinVar variation 187679 (VCV000187679.22), dbSNP rs786203916, ClinGen allele CA198280.

ClinVar aggregate classification (germline): Uncertain significance. Review status: criteria provided, multiple submitters, no conflicts (2 of 4 stars). 5 submissions from 5 submitters: Uncertain significance (5). Last evaluated 2026-01-26.

Conditions:
Familial cancer of breast. Also called: BREAST CANCER, FAMILIAL; Hereditary breast cancer; hereditary breast carcinoma. Identifiers: Orphanet 227535, MedGen C0346153, MONDO:0016419, OMIM 114480. Disease mechanism: loss of function.
Fanconi anemia complementation group J. Also called: BRIP1-Related Fanconi Anemia. Identifiers: Orphanet 84, MedGen C1836860, MONDO:0012187, OMIM 609054.
Hereditary cancer-predisposing syndrome. Also called: Hereditary Cancer Syndrome; Neoplastic Syndromes, Hereditary; Tumor predisposition; Hereditary neoplastic syndrome. Identifiers: Orphanet 140162, MedGen C0027672, MeSH D009386, MONDO:0015356.

Submissions (5):

Labcorp Genetics (formerly Invitae), Labcorp
Classification: Uncertain significance for Familial cancer of breast; Fanconi anemia complementation group J. Last evaluated: 2026-01-26. Review status: criteria provided, single submitter. Criteria: Invitae Variant Classification Sherloc (09022015). Collection method: clinical testing. Allele origin: germline.
Comment: This sequence change replaces isoleucine, which is neutral and non-polar, with valine, which is neutral and non-polar, at codon 161 of the BRIP1 protein (p.Ile161Val). This variant is not present in population databases (gnomAD no frequency). This variant has not been reported in the literature in individuals affected with BRIP1-related conditions. ClinVar contains an entry for this variant (Variation ID: 187679). Invitae Evidence Modeling of protein sequence and biophysical properties (such as structural, functional, and spatial information, amino acid conservation, physicochemical variation, residue mobility, and thermodynamic stability) indicates that this missense variant is not expected to disrupt BRIP1 protein function with a negative predictive value of 95%. In summary, the available evidence is currently insufficient to determine the role of this variant in disease. Therefore, it has been classified as a Variant of Uncertain Significance.

Ambry Genetics
Classification: Uncertain significance for Hereditary cancer-predisposing syndrome. Last evaluated: 2025-10-12. Review status: criteria provided, single submitter. Criteria: Ambry Variant Classification Scheme 2023. Collection method: clinical testing. Allele origin: germline.
Comment: The p.I161V variant (also known as c.481A>G), located in coding exon 4 of the BRIP1 gene, results from an A to G substitution at nucleotide position 481. The isoleucine at codon 161 is replaced by valine, an amino acid with highly similar properties. This amino acid position is well conserved in available vertebrate species. In addition, this alteration is predicted to be tolerated by in silico analysis. Since supporting evidence is limited at this time, the clinical significance of this alteration remains unclear.

Color Diagnostics, LLC DBA Color Health
Classification: Uncertain significance for Hereditary cancer-predisposing syndrome. Last evaluated: 2023-12-05. Review status: criteria provided, single submitter. Criteria: ACMG Guidelines, 2015. Collection method: clinical testing. Allele origin: germline.
Comment: This missense variant replaces isoleucine with valine at codon 161 of the BRIP1 protein. Computational prediction suggests that this variant may not impact protein structure and function (internally defined REVEL score threshold <= 0.5, PMID: 27666373). To our knowledge, functional studies have not been reported for this variant. This variant has not been reported in individuals affected with BRIP1-related disorders in the literature. This variant has not been identified in the general population by the Genome Aggregation Database (gnomAD). The available evidence is insufficient to determine the role of this variant in disease conclusively. Therefore, this variant is classified as a Variant of Uncertain Significance.

GeneDx
Classification: Uncertain significance. Last evaluated: 2022-02-02. Review status: criteria provided, single submitter. Criteria: GeneDx Variant Classification Process June 2021. Collection method: clinical testing. Allele origin: germline. Affected: yes.
Comment: Not observed at significant frequency in large population cohorts (gnomAD); In silico analysis supports that this missense variant does not alter protein structure/function; Has not been previously published as pathogenic or benign to our knowledge; This variant is associated with the following publications: (PMID: 11301010)

Quest Diagnostics Nichols Institute San Juan Capistrano
Classification: Uncertain significance. Last evaluated: 2017-09-29. Review status: criteria provided, single submitter. Criteria: Quest Diagnostics criteria. Collection method: clinical testing. Allele origin: germline.